The following is an entry in ClinVar:

NM_000358.3(TGFBI):c.1487G>A (p.Arg496Gln)

Gene: TGFBI (transforming growth factor beta induced; plus strand). Cytogenetic location: 5q31.1.
Variant type: single nucleotide variant.
Coding change: c.1487G>A on transcript NM_000358.3 (MANE Select); coding-DNA position 1487, G replaced by A.
Protein change: p.Arg496Gln; replaces arginine 496 with glutamine.
Molecular consequence: missense variant.
Genome position (GRCh38, 1-based): chr5:136,055,756, G>A. VCF-style: chr5-136055756-G-A. GRCh37 (hg19) VCF-style: chr5-135391445-G-A.
Other names: short protein forms R496Q.
Identifiers: ClinVar variation 3455819 (VCV003455819.3).

ClinVar aggregate classification (germline): Uncertain significance. Review status: criteria provided, multiple submitters, no conflicts (2 of 4 stars). 2 submissions from 2 submitters: Uncertain significance (2). Last evaluated 2025-05-12.

Conditions:
Inborn genetic diseases. Identifiers: MedGen C0950123, MeSH D030342.

gnomAD v4.1: 119 of 1,612,776 alleles (0.0074%); highest among the groups gnomAD compares: Non-Finnish European, 0.0087%; no homozygotes.

Submissions (2):

Labcorp Genetics (formerly Invitae), Labcorp
Classification: Uncertain significance. Last evaluated: 2025-05-12. Review status: criteria provided, single submitter. Criteria: Invitae Variant Classification Sherloc (09022015). Collection method: clinical testing. Allele origin: germline.
Comment: This sequence change replaces arginine, which is basic and polar, with glutamine, which is neutral and polar, at codon 496 of the TGFBI protein (p.Arg496Gln). This variant is present in population databases (rs114295767, gnomAD 0.02%). This variant has not been reported in the literature in individuals affected with TGFBI-related conditions. ClinVar contains an entry for this variant (Variation ID: 3455819). Invitae Evidence Modeling of protein sequence and biophysical properties (such as structural, functional, and spatial information, amino acid conservation, physicochemical variation, residue mobility, and thermodynamic stability) indicates that this missense variant is not expected to disrupt TGFBI protein function with a negative predictive value of 80%. In summary, the available evidence is currently insufficient to determine the role of this variant in disease. Therefore, it has been classified as a Variant of Uncertain Significance.

Ambry Genetics
Classification: Uncertain significance for Inborn genetic diseases. Last evaluated: 2024-09-09. Review status: criteria provided, single submitter. Criteria: Ambry Variant Classification Scheme 2023. Collection method: clinical testing. Allele origin: germline.